The following is an entry in ClinVar:

NC_000016.9:g.(?_74657826)_(74657989_?)del

Gene: RFWD3 (ring finger and WD repeat domain 3; minus strand). Cytogenetic location: 16q23.1.
Variant type: Deletion.
Identifiers: ClinVar variation 3243656 (VCV003243656.1).

ClinVar aggregate classification (germline): Uncertain significance (1 of 4 stars; one submission).

Submission:

Labcorp Genetics (formerly Invitae), Labcorp
Classification: Uncertain significance. Last evaluated: 2023-10-09. Review status: criteria provided, single submitter. Criteria: Invitae Variant Classification Sherloc (09022015). Collection method: clinical testing. Allele origin: unknown.
Comment: This variant is a gross deletion of the genomic region encompassing exon(s) 13 of the RFWD3 gene, which includes the termination codon. This deletion extends beyond the assayed region for this gene and therefore may encompass additional genes. While this deletion is not anticipated to lead to nonsense mediated decay, it is expected to alter mRNA translation or result in a truncated protein product. This variant has not been reported in the literature in individuals affected with RFWD3-related conditions. In summary, the available evidence is currently insufficient to determine the role of this variant in disease. Therefore, it has been classified as a Variant of Uncertain Significance.